The following is an entry in ClinVar:

NC_012920.1(MT-ND5):m.13289G>A

Gene: MT-ND5 (mitochondrially encoded NADH dehydrogenase 5; plus strand).
Variant type: single nucleotide variant.
Genome position: chrM-13289-G-A.
Identifiers: ClinVar variation 1709618 (VCV001709618.2), dbSNP rs28683136, ClinGen allele CA337099663.
Genomic context (GRCh38, chrMT:13,289, plus strand): 5'-TCAAAAAAATCGTAGCCTTCTCCACTTCAAGTCAACTAGGACTCATAATAGTTACAATCG[G>A]CATCAACCAACCACACCTAGCATTCCTGCACATCTGTACCCACGCCTTCTTCAAAGCCAT-3'

ClinVar aggregate classification (germline): Uncertain significance (1 of 4 stars; one submission).

Conditions:
MELAS syndrome (MELAS). Also called: Juvenile myopathy, encephalopathy, lactic acidosis, stroke. Identifiers: Orphanet 550, MedGen C0162671, MONDO:0010789, OMIM 540000.

Submission:

MGZ Medical Genetics Center
Classification: Uncertain significance for MELAS syndrome. Last evaluated: 2022-03-21. Review status: criteria provided, single submitter. Criteria: ACMG Guidelines, 2015. Collection method: clinical testing. Allele origin: germline. Affected: yes. Observed: 1 variant allele.
Comment: ACMG criteria applied: PM2_SUP